The following is an entry in ClinVar:

ClinVar aggregate classification (germline): Likely benign (1 of 4 stars; one submission).

gnomAD v4.1: 1,261 of 1,611,646 alleles (0.078%); highest among the groups gnomAD compares: African/African-American, 1.2%; 5 homozygotes.

Submission:

CeGaT Center for Human Genetics Tuebingen
Classification: Likely benign. Last evaluated: 2026-04-01. Review status: criteria provided, single submitter. Criteria: CeGaT Center For Human Genetics Tuebingen Variant Classification Criteria Version 2. Collection method: clinical testing. Allele origin: germline. Affected: yes. Observed: 1 variant allele.
Comment: MAD1L1: BP4, BS1

NM_001013836.2(MAD1L1):c.1499C>T (p.Thr500Met)

Genes: MAD1L1 (mitotic arrest deficient 1 like 1; minus strand), LOC126859925 (MED14-independent group 3 enhancer GRCh37_chr7:2019399-2020598; plus strand). Cytogenetic location: 7p22.3.
Variant type: single nucleotide variant.
Coding change: c.1499C>T on transcript NM_001013836.2 (MANE Select); coding-DNA position 1499, C replaced by T.
Protein change: p.Thr500Met; replaces threonine 500 with methionine.
Molecular consequence: missense variant.
Genome position (GRCh38, 1-based): chr7:1,980,459, G>A on the plus strand (C>T on the coding strand, the complement: MAD1L1 is on the minus strand). VCF-style: chr7-1980459-G-A. GRCh37 (hg19) VCF-style: chr7-2020094-G-A.
Other names: c.1499C>T, p.Thr500Met (NM_001013837.2, NM_001304523.2, NM_003550.3); c.1223C>T, p.Thr408Met (NM_001304524.2); short protein forms T408M, T500M.
Identifiers: ClinVar variation 4872462 (VCV004872462.2).